The following is an entry in ClinVar:

ClinVar aggregate classification (germline): Uncertain significance (1 of 4 stars; one submission).

Conditions:
Malignant hyperthermia, susceptibility to, 1 (MHS1). Also called: Anesthesia related hyperthermia; Malignant hyperpyrexia; Fulminating hyperpyrexia; Pharmacogenic myopathy; RYR1-Related Malignant Hyperthermia Susceptibility; Malignant hyperthermia suceptibility 1. Identifiers: Orphanet 423, MedGen C2930980, MONDO:0007783, OMIM 145600.

Allele frequency attached by ClinVar (database versions not stated): ExAC 0.00001; ESP Exome Variant Server 0.00008.
gnomAD v4.1: 13 of 1,614,234 alleles (0.00081%); highest among the groups gnomAD compares: Non-Finnish European, 0.0011%; no homozygotes.

Submission:

All of Us Research Program, National Institutes of Health
Classification: Uncertain significance for Malignant hyperthermia, susceptibility to, 1. Last evaluated: 2023-12-01. Review status: criteria provided, single submitter. Criteria: ACMG Guidelines, 2015. Collection method: clinical testing. Allele origin: germline. Inheritance: Autosomal dominant inheritance. Observed: 1 variant allele, 1 heterozygote.
Comment: This study involves interpretation of variants in research participants for the purpose of population health screening. Participant phenotype was not available at the time of variant classification. Additional details can be found in publication PMID: 35346344, PMCID: PMC8962531

NM_000540.3(RYR1):c.11723A>G (p.Asn3908Ser)

Gene: RYR1 (ryanodine receptor 1; plus strand). Cytogenetic location: 19q13.2.
Variant type: single nucleotide variant.
Coding change: c.11723A>G on transcript NM_000540.3 (MANE Select); coding-DNA position 11723, A replaced by G.
Protein change: p.Asn3908Ser; replaces asparagine 3908 with serine.
Molecular consequence: missense variant.
Genome position (GRCh38, 1-based): chr19:38,543,380, A>G. VCF-style: chr19-38543380-A-G. GRCh37 (hg19) VCF-style: chr19-39034020-A-G.
Other names: c.11708A>G, p.Asn3903Ser (NM_001042723.2); short protein forms N3903S, N3908S.
Identifiers: ClinVar variation 3074186 (VCV003074186.1), dbSNP rs141803364, ClinGen allele CA057545.